The following is an entry in ClinVar:

NM_007294.4(BRCA1):c.3704_3707del (p.Asn1235fs)

Genes: BRCA1 (BRCA1 DNA repair associated; minus strand), LOC126862571 (BRD4-independent group 4 enhancer GRCh37_chr17:41243136-41244335; plus strand). Cytogenetic location: 17q21.31.
Variant type: Deletion.
Coding change: c.3704_3707del on transcript NM_007294.4 (MANE Select); coding-DNA positions 3704 to 3707, 4 bases deleted (ACAA; older notation c.3704_3707delACAA).
Protein change: p.Asn1235fs; shifts the reading frame from asparagine 1235.
Molecular consequence: frameshift variant. On other transcripts: intron variant (135).
Genome position (GRCh38, 1-based): chr17:43,091,824-43,091,827, TTGT deleted on the plus strand (ACAA on the coding strand, the reverse complement: BRCA1 is on the minus strand); deleting any 4 consecutive bases within chr17:43,091,824-43,091,829 gives the same sequence; the c. name uses the placement nearest the transcript's 3' end. VCF-style (leftmost placement, unchanged base first): chr17-43091823-ATTGT-A. GRCh37 (hg19) VCF-style: chr17-41243840-ATTGT-A.
Other names: 3823_3826delACAA; c.3491_3494del, p.Asn1164fs (NM_001407571.1, NM_001407853.1, NM_001407894.1 and 9 more transcripts); c.3704_3707del, p.Asn1235fs (NM_001407581.1, NM_001407582.1, NM_001407583.1 and 30 more transcripts); c.3701_3704del, p.Asn1234fs (NM_001407587.1, NM_001407590.1, NM_001407591.1 and 22 more transcripts); c.3695_3698del, p.Asn1232fs (NM_001407646.1, NM_001407647.1); c.3581_3584del, p.Asn1194fs (NM_001407648.1, NM_001407664.1, NM_001407665.1 and 19 more transcripts); c.3578_3581del, p.Asn1193fs (NM_001407649.1, NM_001407670.1, NM_001407671.1 and 11 more transcripts); c.3626_3629del, p.Asn1209fs (NM_001407653.1, NM_001407654.1, NM_001407655.1 and 4 more transcripts); and 43 more; short protein forms N1188fs, N1235fs, N1067fs, N1193fs, N1194fs, N1208fs, N1234fs, N1107fs.
Identifiers: ClinVar variation 54966 (VCV000054966.7), dbSNP rs397509094, ClinGen allele CA002372.
Genomic context (GRCh38, chr17:43,091,823, plus strand): 5'-TGTGTTCTTAGACAGACACTCGGTAGCAACGGTGCTATGCCTAGTAGACTGAGAAGGTAT[ATTGT>A]TTACTTTACCAAATAACAAGTGTTGGAAGCAGGGAAGCTCTTCATCCTCACTAGATAAGT-3'

ClinVar aggregate classification (germline): Pathogenic. Review status: reviewed by expert panel (3 of 4 stars). 2 submissions from 2 submitters: Pathogenic (1). 1 of the submissions does not count toward it. Last evaluated 2016-10-18.

Conditions:
Breast-ovarian cancer, familial, susceptibility to, 1 (BROVCA1). Also called: BRCA1 Hereditary Breast and Ovarian Cancer; OVARIAN CANCER, SUSCEPTIBILITY TO. Identifiers: Orphanet 145, MedGen C2676676, MONDO:0011450, OMIM 604370. Disease mechanism: loss of function.

Submissions (2):

Evidence-based Network for the Interpretation of Germline Mutant Alleles (ENIGMA)
Classification: Pathogenic for Breast-ovarian cancer, familial, susceptibility to, 1. Last evaluated: 2016-10-18. Review status: reviewed by expert panel. Criteria: ENIGMA BRCA1/2 Classification Criteria (2015). Collection method: curation. Allele origin: germline.
Comment: Variant allele predicted to encode a truncated non-functional protein.

Consortium of Investigators of Modifiers of BRCA1/2 (CIMBA), c/o University of Cambridge
Classification: Pathogenic for Breast-ovarian cancer, familial, susceptibility to, 1. Last evaluated: 2015-10-02. Review status: criteria provided, single submitter. Criteria: CIMBA Mutation Classification guidelines May 2016. Collection method: clinical testing. Allele origin: germline. Not counted in ClinVar's aggregate classification.